The following is an entry in ClinVar:

ClinVar aggregate classification (germline): Uncertain significance. Review status: criteria provided, multiple submitters, no conflicts (2 of 4 stars). 2 submissions from 2 submitters: Uncertain significance (2). Last evaluated 2025-07-09.

Allele frequency attached by ClinVar (database versions not stated): TOPMed 0.00002; ExAC 0.00002; gnomAD 0.00006; gnomAD exomes 0.00003.
gnomAD v4.1: 47 of 1,611,604 alleles (0.0029%); highest among the groups gnomAD compares: South Asian, 0.0066%; no homozygotes.

Submissions (2):

Labcorp Genetics (formerly Invitae), Labcorp
Classification: Uncertain significance. Last evaluated: 2025-07-09. Review status: criteria provided, single submitter. Criteria: Invitae Variant Classification Sherloc (09022015). Collection method: clinical testing. Allele origin: germline.
Comment: This sequence change replaces glycine, which is neutral and non-polar, with serine, which is neutral and polar, at codon 209 of the NPAT protein (p.Gly209Ser). This variant is present in population databases (rs745615346, gnomAD 0.004%). This variant has not been reported in the literature in individuals affected with NPAT-related conditions. ClinVar contains an entry for this variant (Variation ID: 2589041). An algorithm developed to predict the effect of missense changes on protein structure and function (PolyPhen-2) suggests that this variant is likely to be disruptive. In summary, the available evidence is currently insufficient to determine the role of this variant in disease. Therefore, it has been classified as a Variant of Uncertain Significance.

Ambry Genetics
Classification: Uncertain significance. Last evaluated: 2023-09-13. Review status: criteria provided, single submitter. Criteria: Ambry Variant Classification Scheme 2023. Collection method: clinical testing. Allele origin: germline.

NM_002519.3(NPAT):c.625G>A (p.Gly209Ser)

Gene: NPAT (nuclear protein, coactivator of histone transcription; minus strand). Cytogenetic location: 11q22.3.
Variant type: single nucleotide variant.
Coding change: c.625G>A on transcript NM_002519.3 (MANE Select); coding-DNA position 625, G replaced by A.
Protein change: p.Gly209Ser; replaces glycine 209 with serine.
Molecular consequence: missense variant.
Genome position (GRCh38, 1-based): chr11:108,188,111, C>T on the plus strand (G>A on the coding strand, the complement: NPAT is on the minus strand). VCF-style: chr11-108188111-C-T. GRCh37 (hg19) VCF-style: chr11-108058838-C-T.
Other names: c.625G>A, p.Gly209Ser (NM_001321307.1); short protein forms G209S.
Identifiers: ClinVar variation 2589041 (VCV002589041.5), dbSNP rs745615346, ClinGen allele CA6264252.